The following is an entry in ClinVar:

ClinVar aggregate classification (germline): Conflicting classifications of pathogenicity. Review status: criteria provided, conflicting classifications (1 of 4 stars). 15 submissions from 9 submitters: Uncertain significance (1); Benign (6); Likely benign (7). 1 of the submissions does not count toward it. Last evaluated 2025-12-28.

Conditions:
Weill-Marchesani syndrome. Also called: WM Syndrome; Mesodermal dysmorphodystrophy congenital. Identifiers: Orphanet 3449, MedGen C0265313, MONDO:0018096.
Geleophysic dysplasia. Identifiers: Orphanet 2623, MedGen C3489726, MONDO:0000127.
Familial thoracic aortic aneurysm and aortic dissection (TAAD). Also called: Thoracic aortic aneurysms and dissections. Identifiers: Orphanet 91387, MedGen C4707243, MONDO:0019625.
Marfan syndrome (MFS). Also called: FBN1-Related Marfan Syndrome; Marfan syndrome type 1; Marfan's syndrome; MARFAN SYNDROME, TYPE I; Marfan syndrome, classic. Identifiers: Orphanet 284963, Orphanet 558, MedGen C0024796, MONDO:0007947, OMIM 154700.
Acromicric dysplasia (ACMICD). Also called: Acromicric skeletal dysplasia. Identifiers: Orphanet 969, MedGen C0265287, MONDO:0007055, OMIM 102370.
Ectopia lentis 1, isolated, autosomal dominant (ECTOL1). Identifiers: Orphanet 1885, MedGen C3541518, MONDO:0007514, OMIM 129600.
Stiff skin syndrome (SSKS). Identifiers: Orphanet 2833, MedGen C1861456, MONDO:0008492, OMIM 184900.

Allele frequency attached by ClinVar (database versions not stated): gnomAD exomes 0.00005 and 0.00017; ExAC 0.00007; TOPMed 0.00008; gnomAD 0.00009; ESP Exome Variant Server 0.00031.
gnomAD v4.1: 277 of 1,614,072 alleles (0.017%); highest among the groups gnomAD compares: Non-Finnish European, 0.021%; no homozygotes.

Submissions (15):

Labcorp Genetics (formerly Invitae), Labcorp
Classification: Benign for Marfan syndrome; Familial thoracic aortic aneurysm and aortic dissection. Last evaluated: 2025-12-28. Review status: criteria provided, single submitter. Criteria: Invitae Variant Classification Sherloc (09022015). Collection method: clinical testing. Allele origin: germline.

Women's Health and Genetics/Laboratory Corporation of America, LabCorp
Classification: Likely benign. Last evaluated: 2025-08-04. Review status: criteria provided, single submitter. Criteria: LabCorp Variant Classification Summary - May 2015. Collection method: clinical testing. Allele origin: germline.
Comment: Variant summary: FBN1 c.7846A>G (p.Ile2616Val) results in a conservative amino acid change located in the EGF-like domain (IPR000742) of the encoded protein sequence. Algorithms developed to predict the effect of missense changes on protein structure and function all suggest that this variant is likely to be tolerated. The variant allele was found at a frequency of 0.00017 in 1614072 control chromosomes, predominantly at a frequency of 0.00021 within the Non-Finnish European subpopulation in the gnomAD database. The observed variant frequency within Non-Finnish European control individuals in the gnomAD database (v4) is approximately 2 fold of the estimated maximal expected allele frequency for a pathogenic variant in FBN1 causing Marfan Syndrome phenotype (0.00011). c.7846A>G has been reported in the literature in at least one individual affected with Marfan Syndrome (Howarth_2007). These data do not allow any conclusion about variant significance. To our knowledge, no experimental evidence demonstrating an impact on protein function has been reported. The following publications have been ascertained in the context of this evaluation (PMID: 24055113, 28659821, 17627385). ClinVar contains an entry for this variant (Variation ID: 161237). Based on the evidence outlined above, the variant was classified as likely benign.

CeGaT Center for Human Genetics Tuebingen
Classification: Likely benign. Last evaluated: 2024-09-01. Review status: criteria provided, single submitter. Criteria: CeGaT Center For Human Genetics Tuebingen Variant Classification Criteria Version 2. Collection method: clinical testing. Allele origin: germline. Affected: yes. Observed: 1 variant allele.
Comment: FBN1: BP4

Color Diagnostics, LLC DBA Color Health
Classification: Likely benign for Familial thoracic aortic aneurysm and aortic dissection. Last evaluated: 2024-01-24. Review status: criteria provided, single submitter. Criteria: ACMG Guidelines, 2015. Collection method: clinical testing. Allele origin: germline.

Blueprint Genetics
Classification: Likely benign. Last evaluated: 2023-11-10. Review status: criteria provided, single submitter. Criteria: ACMG Guidelines, 2015. Collection method: clinical testing. Allele origin: germline.

Ambry Genetics
Classification: Likely benign for Familial thoracic aortic aneurysm and aortic dissection. Last evaluated: 2023-09-05. Review status: criteria provided, single submitter. Criteria: Ambry Variant Classification Scheme 2023. Collection method: clinical testing. Allele origin: germline.

Illumina Laboratory Services, Illumina
Classification: Benign for Weill-Marchesani syndrome. Last evaluated: 2019-08-14. Review status: criteria provided, single submitter. Criteria: ICSL Variant Classification Criteria 13 December 2019. Collection method: clinical testing. Allele origin: germline.
Comment: This variant was observed as part of a predisposition screen in an ostensibly healthy population. A literature search was performed for the gene, cDNA change, and amino acid change (where applicable). No publications were found based on this search. Allele frequency data from public databases was too high to be consistent with this variant causing disease. Therefore, this variant is classified as benign.

Illumina Laboratory Services, Illumina
Classification: Likely benign for Familial thoracic aortic aneurysm and aortic dissection. Last evaluated: 2019-08-14. Review status: criteria provided, single submitter. Criteria: ICSL Variant Classification Criteria 13 December 2019. Collection method: clinical testing. Allele origin: germline.
Comment: This variant was observed as part of a predisposition screen in an ostensibly healthy population. A literature search was performed for the gene, cDNA change, and amino acid change (where applicable). No publications were found based on this search. Allele frequency data from public databases allowed determination this variant is unlikely to cause disease. Therefore, this variant is classified as likely benign.

Illumina Laboratory Services, Illumina
Classification: Benign for Geleophysic dysplasia. Last evaluated: 2019-08-14. Review status: criteria provided, single submitter. Criteria: ICSL Variant Classification Criteria 13 December 2019. Collection method: clinical testing. Allele origin: germline.
Comment: the same text as in the submission from Illumina Laboratory Services, Illumina above.

Illumina Laboratory Services, Illumina
Classification: Benign for Ectopia lentis 1, isolated, autosomal dominant. Last evaluated: 2019-08-14. Review status: criteria provided, single submitter. Criteria: ICSL Variant Classification Criteria 13 December 2019. Collection method: clinical testing. Allele origin: germline.
Comment: the same text as in the submission from Illumina Laboratory Services, Illumina above.

Illumina Laboratory Services, Illumina
Classification: Likely benign for Marfan syndrome. Last evaluated: 2019-08-14. Review status: criteria provided, single submitter. Criteria: ICSL Variant Classification Criteria 13 December 2019. Collection method: clinical testing. Allele origin: germline.
Comment: This variant was observed as part of a predisposition screen in an ostensibly healthy population. A literature search was performed for the gene, cDNA change, and amino acid change (where applicable). Publications were found based on this search. The evidence from the literature, in combination with allele frequency data from public databases where available, was sufficient to determine this variant is unlikely to cause disease. Therefore, this variant is classified as likely benign.

Illumina Laboratory Services, Illumina
Classification: Benign for Stiff skin syndrome. Last evaluated: 2019-08-14. Review status: criteria provided, single submitter. Criteria: ICSL Variant Classification Criteria 13 December 2019. Collection method: clinical testing. Allele origin: germline.
Comment: the same text as in the submission from Illumina Laboratory Services, Illumina above.

Illumina Laboratory Services, Illumina
Classification: Benign for Acromicric dysplasia. Last evaluated: 2019-08-14. Review status: criteria provided, single submitter. Criteria: ICSL Variant Classification Criteria 13 December 2019. Collection method: clinical testing. Allele origin: germline.
Comment: the same text as in the submission from Illumina Laboratory Services, Illumina above.

Eurofins Ntd Llc (ga)
Classification: Uncertain significance. Last evaluated: 2017-10-25. Review status: criteria provided, single submitter. Criteria: EGL Classification Definitions 2015. Collection method: clinical testing. Allele origin: germline. Observed: 2 variant alleles, 2 heterozygotes.

CSER _CC_NCGL, University of Washington
Classification: Uncertain significance for Marfan syndrome. Last evaluated: 2014-06-01. Review status: no assertion criteria provided. Collection method: research. Allele origin: germline. Inheritance: Autosomal dominant inheritance. Study: ESP 6500 variant annotation. Not counted in ClinVar's aggregate classification.
Comment: Variants classified for the Actionable exomic incidental findings in 6503 participants: challenges of variant classification manuscript

Literature cited by the submitters: PubMed 17627385 (cited by 3 submitters); PubMed 24055113 (cited by Women's Health and Genetics/Laboratory Corporation of America, LabCorp and Illumina Laboratory Services, Illumina); PubMed 28659821 (cited by Women's Health and Genetics/Laboratory Corporation of America, LabCorp); PubMed 25812041 (cited by Ambry Genetics and Illumina Laboratory Services, Illumina); PubMed 25637381 (cited by Illumina Laboratory Services, Illumina); PubMed 24941995 (cited by Illumina Laboratory Services, Illumina).

NM_000138.5(FBN1):c.7846A>G (p.Ile2616Val)

Gene: FBN1 (fibrillin 1; minus strand). Cytogenetic location: 15q21.1.
Variant type: single nucleotide variant.
Coding change: c.7846A>G on transcript NM_000138.5 (MANE Select); coding-DNA position 7846, A replaced by G.
Protein change: p.Ile2616Val; replaces isoleucine 2616 with valine.
Molecular consequence: missense variant.
Genome position (GRCh38, 1-based): chr15:48,415,741, T>C on the plus strand (A>G on the coding strand, the complement: FBN1 is on the minus strand). VCF-style: chr15-48415741-T-C. GRCh37 (hg19) VCF-style: chr15-48707938-T-C.
Other names: short protein forms I2616V.
Identifiers: ClinVar variation 161237 (VCV000161237.41), dbSNP rs143677764, ClinGen allele CA017414.